The following is an entry in ClinVar:

NM_001001563.5(TIMM50):c.710T>G (p.Leu237Arg)

Gene: TIMM50 (translocase of inner mitochondrial membrane 50; plus strand). Cytogenetic location: 19q13.2.
Variant type: single nucleotide variant.
Coding change: c.710T>G on transcript NM_001001563.5 (MANE Select); coding-DNA position 710, T replaced by G.
Protein change: p.Leu237Arg; replaces leucine 237 with arginine.
Molecular consequence: missense variant.
Genome position (GRCh38, 1-based): chr19:39,488,074, T>G. VCF-style: chr19-39488074-T-G. GRCh37 (hg19) VCF-style: chr19-39978714-T-G.
Other names: c.371T>G, p.Leu124Arg (NM_001329559.2); short protein forms L124R, L237R.
Identifiers: ClinVar variation 2004091 (VCV002004091.3), dbSNP rs2514623477, ClinGen allele CA405789106.

ClinVar aggregate classification (germline): Uncertain significance (1 of 4 stars; one submission).

Submission:

Labcorp Genetics (formerly Invitae), Labcorp
Classification: Uncertain significance. Last evaluated: 2024-10-14. Review status: criteria provided, single submitter. Criteria: Invitae Variant Classification Sherloc (09022015). Collection method: clinical testing. Allele origin: germline.
Comment: This sequence change replaces leucine, which is neutral and non-polar, with arginine, which is basic and polar, at codon 340 of the TIMM50 protein (p.Leu340Arg). This variant is not present in population databases (gnomAD no frequency). This variant has not been reported in the literature in individuals affected with TIMM50-related conditions. ClinVar contains an entry for this variant (Variation ID: 2004091). An algorithm developed to predict the effect of missense changes on protein structure and function (PolyPhen-2) suggests that this variant is likely to be disruptive. In summary, the available evidence is currently insufficient to determine the role of this variant in disease. Therefore, it has been classified as a Variant of Uncertain Significance.